The following is an entry in ClinVar:

NM_004341.5(CAD):c.1492G>T (p.Gly498Trp)

Gene: CAD (carbamoyl-phosphate synthetase 2, aspartate transcarbamylase, and dihydroorotase; plus strand). Cytogenetic location: 2p23.3.
Variant type: single nucleotide variant.
Coding change: c.1492G>T on transcript NM_004341.5 (MANE Select); coding-DNA position 1492, G replaced by T.
Protein change: p.Gly498Trp; replaces glycine 498 with tryptophan.
Molecular consequence: missense variant.
Genome position (GRCh38, 1-based): chr2:27,225,115, G>T. VCF-style: chr2-27225115-G-T. GRCh37 (hg19) VCF-style: chr2-27447983-G-T.
Other names: c.1492G>T, p.Gly498Trp (NM_001306079.2); c.1492G>T (NM_004341.3); short protein forms G498W.
Identifiers: ClinVar variation 1420454 (VCV001420454.5), dbSNP rs552916887, ClinGen allele CA1572736.

ClinVar aggregate classification (germline): Uncertain significance. Review status: criteria provided, multiple submitters, no conflicts (2 of 4 stars). 3 submissions from 3 submitters: Uncertain significance (3). Last evaluated 2024-08-22.

Conditions:
Inborn genetic diseases. Identifiers: MedGen C0950123, MeSH D030342.

Allele frequency attached by ClinVar (database versions not stated): TOPMed 0.00004; gnomAD 0.00005.
gnomAD v4.1: 97 of 1,614,026 alleles (0.006%); highest among the groups gnomAD compares: Non-Finnish European, 0.0077%; no homozygotes.

Submissions (3):

Blueprint Genetics
Classification: Uncertain significance. Last evaluated: 2024-08-22. Review status: criteria provided, single submitter. Criteria: ACMG Guidelines, 2015. Collection method: clinical testing. Allele origin: germline.

Labcorp Genetics (formerly Invitae), Labcorp
Classification: Uncertain significance. Last evaluated: 2022-07-19. Review status: criteria provided, single submitter. Criteria: Invitae Variant Classification Sherloc (09022015). Collection method: clinical testing. Allele origin: germline.
Comment: This sequence change replaces glycine, which is neutral and non-polar, with tryptophan, which is neutral and slightly polar, at codon 498 of the CAD protein (p.Gly498Trp). This variant is present in population databases (rs552916887, gnomAD 0.006%). This variant has not been reported in the literature in individuals affected with CAD-related conditions. ClinVar contains an entry for this variant (Variation ID: 1420454). Algorithms developed to predict the effect of missense changes on protein structure and function are either unavailable or do not agree on the potential impact of this missense change (SIFT: "Deleterious"; PolyPhen-2: "Possibly Damaging"; Align-GVGD: "Class C0"). In summary, the available evidence is currently insufficient to determine the role of this variant in disease. Therefore, it has been classified as a Variant of Uncertain Significance.

Ambry Genetics
Classification: Uncertain significance for Inborn genetic diseases. Last evaluated: 2021-08-02. Review status: criteria provided, single submitter. Criteria: Ambry Variant Classification Scheme 2023. Collection method: clinical testing. Allele origin: germline.